The following is an entry in ClinVar:

ClinVar aggregate classification (germline): Uncertain significance. Review status: criteria provided, multiple submitters, no conflicts (2 of 4 stars). 2 submissions from 2 submitters: Uncertain significance (2). Last evaluated 2024-10-08.

Conditions:
Inborn genetic diseases. Identifiers: MedGen C0950123, MeSH D030342.

Allele frequency attached by ClinVar (database versions not stated): gnomAD exomes below 0.00001 and 0.00001; ExAC 0.00001.

Submissions (2):

Labcorp Genetics (formerly Invitae), Labcorp
Classification: Uncertain significance. Last evaluated: 2024-10-08. Review status: criteria provided, single submitter. Criteria: Invitae Variant Classification Sherloc (09022015). Collection method: clinical testing. Allele origin: germline.
Comment: This sequence change replaces alanine, which is neutral and non-polar, with threonine, which is neutral and polar, at codon 464 of the MTTP protein (p.Ala464Thr). This variant is present in population databases (rs750641244, gnomAD 0.004%). This variant has not been reported in the literature in individuals affected with MTTP-related conditions. ClinVar contains an entry for this variant (Variation ID: 1399912). Invitae Evidence Modeling of protein sequence and biophysical properties (such as structural, functional, and spatial information, amino acid conservation, physicochemical variation, residue mobility, and thermodynamic stability) indicates that this missense variant is not expected to disrupt MTTP protein function with a negative predictive value of 80%. In summary, the available evidence is currently insufficient to determine the role of this variant in disease. Therefore, it has been classified as a Variant of Uncertain Significance.

Ambry Genetics
Classification: Uncertain significance for Inborn genetic diseases. Last evaluated: 2024-03-18. Review status: criteria provided, single submitter. Criteria: Ambry Variant Classification Scheme 2023. Collection method: clinical testing. Allele origin: germline.

NM_001386140.1(MTTP):c.1390G>A (p.Ala464Thr)

Gene: MTTP (microsomal triglyceride transfer protein; plus strand). Cytogenetic location: 4q23.
Variant type: single nucleotide variant.
Coding change: c.1390G>A on transcript NM_001386140.1 (MANE Select); coding-DNA position 1390, G replaced by A.
Protein change: p.Ala464Thr; replaces alanine 464 with threonine.
Molecular consequence: missense variant.
Genome position (GRCh38, 1-based): chr4:99,606,793, G>A. VCF-style: chr4-99606793-G-A. GRCh37 (hg19) VCF-style: chr4-100527950-G-A.
Other names: c.1390G>A, p.Ala464Thr (NM_000253.4); c.1141G>A, p.Ala381Thr (NM_001300785.2); c.1390G>A (NM_000253.2); short protein forms A381T, A464T.
Identifiers: ClinVar variation 1399912 (VCV001399912.6), dbSNP rs750641244, ClinGen allele CA3022104.